The following is an entry in ClinVar:

NM_000384.3(APOB):c.11612T>C (p.Val3871Ala)

Gene: APOB (apolipoprotein B; minus strand). Cytogenetic location: 2p24.1.
Variant type: single nucleotide variant.
Coding change: c.11612T>C on transcript NM_000384.3 (MANE Select); coding-DNA position 11612, T replaced by C.
Protein change: p.Val3871Ala; replaces valine 3871 with alanine.
Molecular consequence: missense variant.
Genome position (GRCh38, 1-based): chr2:21,005,256, A>G on the plus strand (T>C on the coding strand, the complement: APOB is on the minus strand). VCF-style: chr2-21005256-A-G. GRCh37 (hg19) VCF-style: chr2-21228128-A-G.
Other names: short protein forms V3871A.
Identifiers: ClinVar variation 1736705 (VCV001736705.2), dbSNP rs2465356373, ClinGen allele CA345977932.

ClinVar aggregate classification (germline): Uncertain significance (1 of 4 stars; one submission).

Conditions:
Cardiovascular phenotype. Identifiers: MedGen CN230736.

Allele frequency attached by ClinVar (database versions not stated): gnomAD exomes below 0.00001.
gnomAD v4.1: 1 of 1,614,100 alleles (0.000062%); highest among the groups gnomAD compares: Non-Finnish European, 0.000085%; no homozygotes.

Submission:

Ambry Genetics
Classification: Uncertain significance for Cardiovascular phenotype. Last evaluated: 2022-03-05. Review status: criteria provided, single submitter. Criteria: Ambry Variant Classification Scheme 2023. Collection method: clinical testing. Allele origin: germline.
Comment: The p.V3871A variant (also known as c.11612T>C), located in coding exon 26 of the APOB gene, results from a T to C substitution at nucleotide position 11612. The valine at codon 3871 is replaced by alanine, an amino acid with similar properties. This amino acid position is conserved. In addition, this alteration is predicted to be tolerated by in silico analysis. Since supporting evidence is limited at this time, the clinical significance of this alteration remains unclear.